The following is an entry in ClinVar:

ClinVar aggregate classification (germline): Uncertain significance. Review status: criteria provided, multiple submitters, no conflicts (2 of 4 stars). 2 submissions from 2 submitters: Uncertain significance (2). Last evaluated 2023-04-17.

Conditions:
Inborn genetic diseases. Identifiers: MedGen C0950123, MeSH D030342.

Allele frequency attached by ClinVar (database versions not stated): gnomAD exomes below 0.00001; TOPMed below 0.00001; ExAC 0.00001; gnomAD 0.00001.
gnomAD v4.1: 5 of 1,613,648 alleles (0.00031%); highest among the groups gnomAD compares: South Asian, 0.0022%; no homozygotes.

Submissions (2):

Ambry Genetics
Classification: Uncertain significance for Inborn genetic diseases. Last evaluated: 2023-04-17. Review status: criteria provided, single submitter. Criteria: Ambry Variant Classification Scheme 2023. Collection method: clinical testing. Allele origin: germline.

Labcorp Genetics (formerly Invitae), Labcorp
Classification: Uncertain significance. Last evaluated: 2023-03-20. Review status: criteria provided, single submitter. Criteria: Invitae Variant Classification Sherloc (09022015). Collection method: clinical testing. Allele origin: germline.
Comment: This variant has not been reported in the literature in individuals affected with EMC1-related conditions. This variant is not present in population databases (gnomAD no frequency). This sequence change replaces leucine, which is neutral and non-polar, with phenylalanine, which is neutral and non-polar, at codon 873 of the EMC1 protein (p.Leu873Phe). ClinVar contains an entry for this variant (Variation ID: 1386779). In summary, the available evidence is currently insufficient to determine the role of this variant in disease. Therefore, it has been classified as a Variant of Uncertain Significance. Advanced modeling of protein sequence and biophysical properties (such as structural, functional, and spatial information, amino acid conservation, physicochemical variation, residue mobility, and thermodynamic stability) has been performed at Invitae for this missense variant, however the output from this modeling did not meet the statistical confidence thresholds required to predict the impact of this variant on EMC1 protein function.

NM_015047.3(EMC1):c.2617C>T (p.Leu873Phe)

Genes: EMC1 (ER membrane protein complex subunit 1; minus strand), EMC1-AS1 (EMC1 antisense RNA 1; plus strand). Cytogenetic location: 1p36.13.
Variant type: single nucleotide variant.
Coding change: c.2617C>T on transcript NM_015047.3 (MANE Select); coding-DNA position 2617, C replaced by T.
Protein change: p.Leu873Phe; replaces leucine 873 with phenylalanine.
Molecular consequence: missense variant.
Genome position (GRCh38, 1-based): chr1:19,220,819, G>A on the plus strand (C>T on the coding strand, the complement: EMC1 is on the minus strand). VCF-style: chr1-19220819-G-A. GRCh37 (hg19) VCF-style: chr1-19547313-G-A.
Other names: c.2614C>T, p.Leu872Phe (NM_001271427.2, NM_001271428.2); c.2551C>T, p.Leu851Phe (NM_001271429.2); c.2626C>T, p.Leu876Phe (NM_001375820.1); c.2623C>T, p.Leu875Phe (NM_001375821.1); c.2617C>T (NM_015047.1); short protein forms L873F, L876F, L872F, L851F, L875F.
Identifiers: ClinVar variation 1386779 (VCV001386779.7), dbSNP rs769048812, ClinGen allele CA652208.
Genomic context (GRCh38, chr1:19,220,819, plus strand): 5'-CTCACCTGCTTTGTTCTGTTGGGATCTCGGGGCGGCGGGGATCCAGCAAAGCCTTAGGAA[G>A]GGAAAGAATTGCTCCAGAAGGTAGTCCAACTACACAGGAGGAAGTGAATGTTCACACCGA-3'
Protein context (NP_055862.1, residues 863-883): IGLPSGAILS[Leu873Phe]PKALLDPRRP